The following is an entry in ClinVar:

NM_000179.3(MSH6):c.540_541inv (p.Glu181Lys)

Gene: MSH6 (mutS homolog 6; plus strand). Cytogenetic location: 2p16.3.
Variant type: Inversion.
Coding change: c.540_541inv on transcript NM_000179.3 (MANE Select).
Protein change: p.Glu181Lys; replaces glutamic acid 181 with lysine.
Molecular consequence: missense variant. On other transcripts: 5 prime UTR variant (1), intron variant (2).
Genome position: GRCh38 VCF-style: chr2-47795976-TG-CA. GRCh37 (hg19) VCF-style: chr2-48023115-TG-CA.
Other names: c.-363_-362inv (NM_001281494.2); c.-279-2635_-279-2634inv (NM_001281493.2); c.238-2635_238-2634inv (NM_001281492.2); c.540_541delinsCA (NM_000179.3); c.540_541delTGinsCA (NM_000179.2); short protein forms E181K.
Identifiers: ClinVar variation 923203 (VCV000923203.15), ClinGen allele CA1139656998.

ClinVar aggregate classification (germline): Uncertain significance. Review status: criteria provided, multiple submitters, no conflicts (2 of 4 stars). 4 submissions from 4 submitters: Uncertain significance (4). Last evaluated 2025-01-28.

Conditions:
Hereditary cancer-predisposing syndrome. Also called: Neoplastic Syndromes, Hereditary; Tumor predisposition; Hereditary Cancer Syndrome; Hereditary neoplastic syndrome. Identifiers: Orphanet 140162, MedGen C0027672, MeSH D009386, MONDO:0015356.
Hereditary nonpolyposis colorectal neoplasms. Identifiers: MedGen C0009405, MeSH D003123.
Lynch syndrome. Identifiers: Orphanet 144, MedGen C4552100, MONDO:0005835. Disease mechanism: loss of function.

Submissions (4):

Color Diagnostics, LLC DBA Color Health
Classification: Uncertain significance for Hereditary cancer-predisposing syndrome. Last evaluated: 2025-01-28. Review status: criteria provided, single submitter. Criteria: ACMG Guidelines, 2015. Collection method: clinical testing. Allele origin: germline.
Comment: This variant replaces glutamic acid with lysine at codon 181 of the MSH6 protein. To our knowledge, functional studies have not been reported for this variant. This variant has not been reported in individuals affected with MSH6-related disorders in the literature. This variant has not been identified in the general population by the Genome Aggregation Database (gnomAD). The available evidence is insufficient to determine the role of this variant in disease conclusively. Therefore, this variant is classified as a Variant of Uncertain Significance.

Labcorp Genetics (formerly Invitae), Labcorp
Classification: Uncertain significance for Hereditary nonpolyposis colorectal neoplasms. Last evaluated: 2024-01-11. Review status: criteria provided, single submitter. Criteria: Invitae Variant Classification Sherloc (09022015). Collection method: clinical testing. Allele origin: germline.
Comment: This sequence change replaces glutamic acid, which is acidic and polar, with lysine, which is basic and polar, at codon 181 of the MSH6 protein (p.Glu181Lys). Information on the frequency of this variant in the gnomAD database is not available, as this variant may be reported differently in the database. This variant has not been reported in the literature in individuals affected with MSH6-related conditions. ClinVar contains an entry for this variant (Variation ID: 923203). Experimental studies and prediction algorithms are not available or were not evaluated, and the functional significance of this variant is currently unknown. In summary, the available evidence is currently insufficient to determine the role of this variant in disease. Therefore, it has been classified as a Variant of Uncertain Significance.

Department of Pathology and Laboratory Medicine, Sinai Health System
Classification: Uncertain significance for Lynch syndrome. Last evaluated: 2023-11-21. Review status: criteria provided, single submitter. Criteria: ACMG Guidelines, 2015. Collection method: clinical testing. Allele origin: germline. Affected: yes.

Ambry Genetics
Classification: Uncertain significance for Hereditary cancer-predisposing syndrome. Last evaluated: 2023-11-07. Review status: criteria provided, single submitter. Criteria: Ambry Variant Classification Scheme 2023. Collection method: clinical testing. Allele origin: germline.
Comment: The c.540_541delTGinsCA variant (also known as p.E181K), located in coding exon 3 of the MSH6 gene, results from an in-frame deletion of TG and insertion of CA at nucleotide positions 540 to 541.This results in the substitution of the glutamic acid residue for a lysine residue at codon 181, an amino acid with similar properties. This amino acid position is not well conserved in available vertebrate species. In addition, this alteration is predicted to be neutral by in silico analysis (Choi Y et al. PLoS ONE. 2012; 7(10):e46688). Since supporting evidence is limited at this time, the clinical significance of this alteration remains unclear.